The following is an entry in ClinVar:

ClinVar aggregate classification (germline): Likely pathogenic. Review status: criteria provided, multiple submitters, no conflicts (2 of 4 stars). 2 submissions from 2 submitters: Likely pathogenic (2). Last evaluated 2024-03-07.

Conditions:
Becker muscular dystrophy (BMD). Also called: MUSCULAR DYSTROPHY, PSEUDOHYPERTROPHIC PROGRESSIVE, BECKER TYPE; Becker Muscular Dystrophy (BMD). Identifiers: Orphanet 98895, MedGen C0917713, MONDO:0010311, OMIM 300376.
Duchenne muscular dystrophy (DMD). Also called: Duchenne Muscular Dystrophy (DMD); MUSCULAR DYSTROPHY, PSEUDOHYPERTROPHIC PROGRESSIVE, DUCHENNE TYPE. Identifiers: Orphanet 98896, MedGen C0013264, MONDO:0010679, OMIM 310200.

Submissions (2):

Labcorp Genetics (formerly Invitae), Labcorp
Classification: Likely pathogenic for Duchenne muscular dystrophy. Last evaluated: 2024-03-07. Review status: criteria provided, single submitter. Criteria: Invitae Variant Classification Sherloc (09022015). Collection method: clinical testing. Allele origin: germline.
Comment: This sequence change affects an acceptor splice site in intron 27 of the DMD gene. It is expected to disrupt RNA splicing. Variants that disrupt the donor or acceptor splice site typically lead to a loss of protein function (PMID: 16199547), and loss-of-function variants in DMD are known to be pathogenic (PMID: 16770791, 25007885). This variant is not present in population databases (gnomAD no frequency). This variant has not been reported in the literature in individuals affected with DMD-related conditions. ClinVar contains an entry for this variant (Variation ID: 1685299). Algorithms developed to predict the effect of sequence changes on RNA splicing suggest that this variant may disrupt the consensus splice site. In summary, the currently available evidence indicates that the variant is pathogenic, but additional data are needed to prove that conclusively. Therefore, this variant has been classified as Likely Pathogenic.

Mendelics
Classification: Likely pathogenic for Becker muscular dystrophy. Last evaluated: 2022-05-04. Review status: criteria provided, single submitter. Criteria: Mendelics Assertion Criteria 2019. Collection method: clinical testing. Allele origin: germline.

Literature cited by the submitters: PubMed 16199547 (cited by Labcorp Genetics (formerly Invitae), Labcorp); PubMed 16770791 (cited by Labcorp Genetics (formerly Invitae), Labcorp); PubMed 25007885 (cited by Labcorp Genetics (formerly Invitae), Labcorp).

NM_004006.3(DMD):c.3787-2A>G

Gene: DMD (dystrophin; minus strand). Cytogenetic location: Xp21.1.
Variant type: single nucleotide variant.
Coding change: c.3787-2A>G on transcript NM_004006.3 (MANE Select); the canonical splice acceptor site of the intron before coding-DNA position 3787, A replaced by G.
Molecular consequence: splice acceptor variant.
Genome position (GRCh38, 1-based): chrX:32,441,316, T>C on the plus strand (A>G on the coding strand, the complement: DMD is on the minus strand). VCF-style: chrX-32441316-T-C. GRCh37 (hg19) VCF-style: chrX-32459433-T-C.
Other names: c.3763-2A>G (NM_000109.4); c.3775-2A>G (NM_004009.3); c.3418-2A>G (NM_004010.3).
Identifiers: ClinVar variation 1685299 (VCV001685299.3), dbSNP rs1474837238, ClinGen allele CA412670628.